The following is an entry in ClinVar:

NC_000023.10:g.(?_153577197)_(153599633_?)dup

Gene: FLNA (filamin A; minus strand). Cytogenetic location: Xq28.
Variant type: Duplication.
Identifiers: ClinVar variation 832345 (VCV000832345.2).

ClinVar aggregate classification (germline): Uncertain significance (1 of 4 stars; one submission).

Conditions:
Heterotopia, periventricular, X-linked dominant (PVNH1). Also called: PERIVENTRICULAR NODULAR HETEROTOPIA 1; X-linked periventricular heterotopia; PERIVENTRICULAR NODULAR HETEROTOPIA 4; HETEROTOPIA, PERIVENTRICULAR, 1. Identifiers: Orphanet 2149, Orphanet 82004, MedGen C1848213, MONDO:0010233, OMIM 300049.
Oto-palato-digital syndrome, type II (OPD2). Also called: OPD II SYNDROME; FACIOPALATOOSSEOUS SYNDROME; Otopalatodigital Syndrome Type 2 (FLNA-OPD2); Otopalatodigital Syndrome, Type II. Identifiers: Orphanet 669, Orphanet 90652, MedGen C1844696, MONDO:0010571, OMIM 304120.
Frontometaphyseal dysplasia (FMD1). Identifiers: Orphanet 1826, MedGen C0265293, MONDO:0015942.
Melnick-Needles syndrome (MNS). Also called: MELNICK-NEEDLES OSTEODYSPLASTY; OSTEODYSPLASTY OF MELNICK AND NEEDLES; Melnick-Needles Syndrome (FLNA-MNS). Identifiers: Orphanet 2484, MedGen C0025237, MONDO:0010650, OMIM 309350.

Submission:

Labcorp Genetics (formerly Invitae), Labcorp
Classification: Uncertain significance for Oto-palato-digital syndrome, type II; Heterotopia, periventricular, X-linked dominant; Frontometaphyseal dysplasia; Melnick-Needles syndrome. Last evaluated: 2021-06-05. Review status: criteria provided, single submitter. Criteria: Invitae Variant Classification Sherloc (09022015). Collection method: clinical testing. Allele origin: germline.
Comment: A copy number gain of the genomic region encompassing the full coding sequence of the FLNA gene has been identified. The boundaries of this event are unknown as they extend beyond the assayed region for this gene and therefore may encompass additional genes. As the precise location of this event is unknown, it may be in tandem or it may be located elsewhere in the genome. Isolated whole-gene copy number gains of FLNA have not been reported in the literature. However, larger copy number events that include this gene have been reported (PMID: 24098143). Experimental studies and prediction algorithms are not available or were not evaluated, and the functional significance of this variant is currently unknown. In summary, the available evidence is currently insufficient to determine the role of this variant in disease. Therefore, it has been classified as a Variant of Uncertain Significance.

Literature cited by the submitters: PubMed 24098143.